The following is an entry in ClinVar:

NM_005445.4(SMC3):c.401A>T (p.Asn134Ile)

Gene: SMC3 (structural maintenance of chromosomes 3; plus strand). Cytogenetic location: 10q25.2.
Variant type: single nucleotide variant.
Coding change: c.401A>T on transcript NM_005445.4 (MANE Select); coding-DNA position 401, A replaced by T.
Protein change: p.Asn134Ile; replaces asparagine 134 with isoleucine.
Molecular consequence: missense variant.
Genome position (GRCh38, 1-based): chr10:110,578,678, A>T. VCF-style: chr10-110578678-A-T. GRCh37 (hg19) VCF-style: chr10-112338436-A-T.
Other names: short protein forms N134I.
Identifiers: ClinVar variation 2570775 (VCV002570775.27), dbSNP rs2493107869, ClinGen allele CA378373976.

ClinVar aggregate classification (germline): Uncertain significance (1 of 4 stars; one submission).

Submission:

CeGaT Center for Human Genetics Tuebingen
Classification: Uncertain significance. Last evaluated: 2023-04-01. Review status: criteria provided, single submitter. Criteria: CeGaT Center For Human Genetics Tuebingen Variant Classification Criteria Version 2. Collection method: clinical testing. Allele origin: germline. Affected: yes. Observed: 1 variant allele.
Comment: SMC3: PM2, PP2, PP3